The following is an entry in ClinVar:

NM_000478.6(ALPL):c.485del (p.Gly162fs)

Gene: ALPL (alkaline phosphatase, biomineralization associated; plus strand). Cytogenetic location: 1p36.12.
Variant type: Deletion.
Coding change: c.485del on transcript NM_000478.6 (MANE Select); coding-DNA position 485, one base deleted (G; older notation c.485delG).
Protein change: p.Gly162fs; shifts the reading frame from glycine 162.
Molecular consequence: frameshift variant.
Genome position (GRCh38, 1-based): chr1:21,564,053, G deleted; the last of 3 consecutive G bases (chr1:21,564,051-21,564,053); deleting any one gives the same sequence. VCF-style (leftmost placement, unchanged base first): chr1-21564050-TG-T. GRCh37 (hg19) VCF-style: chr1-21890543-TG-T.
Other names: c.320del, p.Gly107fs (NM_001127501.4); c.254del, p.Gly85fs (NM_001177520.3); c.485del, p.Gly162fs (NM_001369803.2, NM_001369804.2, NM_001369805.2); short protein forms G162fs, G85fs, G107fs.
Identifiers: ClinVar variation 4960260 (VCV004960260.3).
Genomic context (GRCh38, chr1:21,564,050, plus strand): 5'-GGGACACCCCGATCTGTGGATAAAGCCAAACCCGCCCCTCCTGCACCCCAGGGAAATCTG[TG>T]GGCATTGTGACCACCACGAGAGTGAACCATGCCACCCCCAGCGCCGCCTACGCCCACTCG-3'

ClinVar aggregate classification (germline): Likely pathogenic. Review status: criteria provided, multiple submitters, no conflicts (2 of 4 stars). 2 submissions from 2 submitters: Likely pathogenic (2). Last evaluated 2022-03-30.

Conditions:
Childhood hypophosphatasia. Identifiers: Orphanet 247667, Orphanet 436, MedGen C0220743, MONDO:1010168, OMIM 241510, MONDO:0009428.
Adult hypophosphatasia. Identifiers: Orphanet 247676, Orphanet 436, MedGen C0268413, MONDO:1010154, OMIM 146300, MONDO:0007798.
Infantile hypophosphatasia. Identifiers: Orphanet 247651, Orphanet 436, MedGen C0268412, MONDO:1010169, OMIM 241500, MONDO:0009427.
ALPL-related disorder. Also called: ALPL-related disorders; ALPL-related condition.

Submissions (2):

Blueprint Genetics
Classification: Likely pathogenic for ALPL-related disorders. Last evaluated: 2022-03-30. Review status: criteria provided, single submitter. Criteria: ACMG Guidelines, 2015. Collection method: clinical testing. Allele origin: germline. Affected: yes. Observed: 1 variant allele.

Juno Genomics, Hangzhou Juno Genomics, Inc
Classification: Likely pathogenic for Adult hypophosphatasia; Childhood hypophosphatasia; Infantile hypophosphatasia. Review status: criteria provided, single submitter. Criteria: ACMG Guidelines, 2015. Collection method: clinical testing. Allele origin: germline.
Comment: Null variant in a gene where loss of function (LOF) is a known mechanism of disease.;Absent from controls (or at extremely low frequency if recessive) in Genome Aggregation Database.